The following is an entry in ClinVar:

ClinVar aggregate classification (germline): Benign/Likely benign. Review status: criteria provided, multiple submitters, no conflicts (2 of 4 stars). 5 submissions from 5 submitters: Benign (3); Likely benign (2). Last evaluated 2026-01-31.

Allele frequency attached by ClinVar (database versions not stated): 1000 Genomes Project 30x 0.00281; 1000 Genomes Project 0.00339; TOPMed 0.00602; ExAC 0.00660; ESP Exome Variant Server 0.00663; gnomAD exomes 0.00675 and 0.00949; gnomAD 0.00743 and 0.00784.
gnomAD v4.1: 14,876 of 1,613,864 alleles (0.92%); highest among the groups gnomAD compares: Non-Finnish European, 1.1%; 73 homozygotes.

Submissions (5):

Labcorp Genetics (formerly Invitae), Labcorp
Classification: Benign. Last evaluated: 2026-01-31. Review status: criteria provided, single submitter. Criteria: Invitae Variant Classification Sherloc (09022015). Collection method: clinical testing. Allele origin: germline.

CeGaT Center for Human Genetics Tuebingen
Classification: Benign. Last evaluated: 2026-01-01. Review status: criteria provided, single submitter. Criteria: CeGaT Center For Human Genetics Tuebingen Variant Classification Criteria Version 2. Collection method: clinical testing. Allele origin: germline. Affected: yes. Observed: 10 variant alleles.
Comment: FAT1: BS1, BS2

Mayo Clinic Laboratories, Mayo Clinic
Classification: Benign. Last evaluated: 2024-11-25. Review status: criteria provided, single submitter. Criteria: ACMG Guidelines, 2015. Collection method: clinical testing. Allele origin: germline. Observed: 3 variant alleles.
Comment: BS1, BS2, BP4

GeneDx
Classification: Likely benign. Last evaluated: 2024-06-03. Review status: criteria provided, single submitter. Criteria: GeneDx Variant Classification Process June 2021. Collection method: clinical testing. Allele origin: germline. Affected: yes.
Comment: See Variant Classification Assertion Criteria.

Breakthrough Genomics
Classification: Likely benign. Review status: criteria provided, single submitter. Criteria: ACMG Guidelines, 2015. Collection method: not provided. Allele origin: germline. Inheritance: Unknown mechanism. Affected: yes.

Literature cited by the submitters: PubMed 31308072 (cited by Mayo Clinic Laboratories, Mayo Clinic).

NM_005245.4(FAT1):c.4754C>T (p.Thr1585Met)

Gene: FAT1 (FAT atypical cadherin 1; minus strand). Cytogenetic location: 4q35.2.
Variant type: single nucleotide variant.
Coding change: c.4754C>T on transcript NM_005245.4 (MANE Select); coding-DNA position 4754, C replaced by T.
Protein change: p.Thr1585Met; replaces threonine 1585 with methionine.
Molecular consequence: missense variant.
Genome position (GRCh38, 1-based): chr4:186,628,210, G>A on the plus strand (C>T on the coding strand, the complement: FAT1 is on the minus strand). VCF-style: chr4-186628210-G-A. GRCh37 (hg19) VCF-style: chr4-187549364-G-A.
Other names: p.Thr1585Met; short protein forms T1585M.
Identifiers: ClinVar variation 773162 (VCV000773162.37), dbSNP rs111886222, ClinGen allele CA3166618.